The following is an entry in ClinVar:

NM_001365693.1(MGAM):c.3932G>A (p.Arg1311Gln)

Gene: MGAM (maltase-glucoamylase; plus strand). Cytogenetic location: 7q34.
Variant type: single nucleotide variant.
Coding change: c.3932G>A on transcript NM_001365693.1 (MANE Select); coding-DNA position 3932, G replaced by A.
Protein change: p.Arg1311Gln; replaces arginine 1311 with glutamine.
Molecular consequence: missense variant.
Genome position (GRCh38, 1-based): chr7:142,059,584, G>A. VCF-style: chr7-142059584-G-A. GRCh37 (hg19) VCF-style: chr7-141759384-G-A.
Other names: c.3932G>A, p.Arg1311Gln (NM_004668.3); short protein forms R1311Q.
Identifiers: ClinVar variation 2341511 (VCV002341511.4), dbSNP rs774233528, ClinGen allele CA168120629.

ClinVar aggregate classification (germline): Uncertain significance. Review status: criteria provided, single submitter (1 of 4 stars). 2 submissions from 2 submitters: Uncertain significance (1). 1 of the submissions does not count toward it. Last evaluated 2025-11-20.

Conditions:
MGAM-related disorder. Also called: MGAM-related condition.

Allele frequency attached by ClinVar (database versions not stated): gnomAD 0.00003; ExAC 0.00002; TOPMed 0.00003; gnomAD exomes 0.00005.
gnomAD v4.1: 85 of 1,611,632 alleles (0.0053%); highest among the groups gnomAD compares: Non-Finnish European, 0.0059%; no homozygotes.

Submissions (2):

Ambry Genetics
Classification: Uncertain significance. Last evaluated: 2025-11-20. Review status: criteria provided, single submitter. Criteria: Ambry Variant Classification Scheme 2023. Collection method: clinical testing. Allele origin: germline.

PreventionGenetics, part of Exact Sciences
Classification: Uncertain significance for MGAM-related condition. Last evaluated: 2024-09-25. Review status: no assertion criteria provided. Collection method: clinical testing. Allele origin: germline. Not counted in ClinVar's aggregate classification.
Comment: The MGAM c.3932G>A variant is predicted to result in the amino acid substitution p.Arg1311Gln. To our knowledge, this variant has not been reported in the literature. This variant is reported in 0.0066% of alleles in individuals of South Asian descent in gnomAD. At this time, the clinical significance of this variant is uncertain due to the absence of conclusive functional and genetic evidence.